The following is an entry in ClinVar:

ClinVar aggregate classification (germline): Pathogenic (1 of 4 stars; one submission).

Submission:

CeGaT Center for Human Genetics Tuebingen
Classification: Pathogenic. Last evaluated: 2024-10-01. Review status: criteria provided, single submitter. Criteria: CeGaT Center For Human Genetics Tuebingen Variant Classification Criteria Version 2. Collection method: clinical testing. Allele origin: germline. Affected: yes. Observed: 1 variant allele.
Comment: COL11A1: PVS1, PM2

NM_001854.4(COL11A1):c.874G>T (p.Glu292Ter)

Gene: COL11A1 (collagen type XI alpha 1 chain; minus strand). Cytogenetic location: 1p21.1.
Variant type: single nucleotide variant.
Coding change: c.874G>T on transcript NM_001854.4 (MANE Select); coding-DNA position 874, G replaced by T.
Protein change: p.Glu292Ter; replaces glutamic acid 292 with a stop codon.
Molecular consequence: nonsense. On other transcripts: non-coding transcript variant (1), intron variant (2).
Genome position (GRCh38, 1-based): chr1:103,026,239, C>A on the plus strand (G>T on the coding strand, the complement: COL11A1 is on the minus strand). VCF-style: chr1-103026239-C-A. GRCh37 (hg19) VCF-style: chr1-103491795-C-A.
Other names: c.874G>T, p.Glu292Ter (NM_080630.4); c.781-626G>T (NM_001190709.2); c.781-287G>T (NM_080629.3); short protein forms E292*.
Identifiers: ClinVar variation 3390294 (VCV003390294.14).
Genomic context (GRCh38, chr1:103,026,239, plus strand): 5'-CAGGACACCACATACACAGGCACTGCTTTGTTTTTACCTCCGTCTGTGCTATTGTCTCCT[C>A]AGTTACAGTGGGTCCCTCTGTTACACTTTCAGCCTCTTTATACTCTGCTTCCCCATACTC-3'